The following is an entry in ClinVar:

ClinVar aggregate classification (germline): Uncertain significance. Review status: criteria provided, multiple submitters, no conflicts (2 of 4 stars). 3 submissions from 3 submitters: Uncertain significance (3). Last evaluated 2024-04-08.

Conditions:
Telangiectasia, hereditary hemorrhagic, type 1 (HHT1). Also called: Osler Weber Rendu syndrome type 1; ENG-Related Hereditary Hemorrhagic Telangiectasia. Identifiers: Orphanet 774, MedGen C4551861, MONDO:0008535, OMIM 187300. Disease mechanism: loss of function.
Hereditary hemorrhagic telangiectasia (HHT). Also called: ORW DISEASE; Osler Weber Rendu syndrome; OSLER-RENDU-WEBER DISEASE; Osler hemorrhagic telangiectasia syndrome. Identifiers: Orphanet 774, MedGen C0039445, MONDO:0019180. Disease mechanism: loss of function.

Allele frequency attached by ClinVar (database versions not stated): gnomAD exomes 0.00003; TOPMed below 0.00001.
gnomAD v4.1: 47 of 1,614,238 alleles (0.0029%); highest among the groups gnomAD compares: Non-Finnish European, 0.0038%; no homozygotes.

Submissions (3):

Labcorp Genetics (formerly Invitae), Labcorp
Classification: Uncertain significance for Hereditary hemorrhagic telangiectasia. Last evaluated: 2024-04-08. Review status: criteria provided, single submitter. Criteria: Invitae Variant Classification Sherloc (09022015). Collection method: clinical testing. Allele origin: germline.
Comment: This sequence change replaces arginine, which is basic and polar, with lysine, which is basic and polar, at codon 39 of the ENG protein (p.Arg39Lys). This variant is not present in population databases (gnomAD no frequency). This variant has not been reported in the literature in individuals affected with ENG-related conditions. ClinVar contains an entry for this variant (Variation ID: 844639). Advanced modeling of protein sequence and biophysical properties (such as structural, functional, and spatial information, amino acid conservation, physicochemical variation, residue mobility, and thermodynamic stability) performed at Invitae indicates that this missense variant is not expected to disrupt ENG protein function with a negative predictive value of 95%. In summary, the available evidence is currently insufficient to determine the role of this variant in disease. Therefore, it has been classified as a Variant of Uncertain Significance.

Fulgent Genetics
Classification: Uncertain significance for Telangiectasia, hereditary hemorrhagic, type 1. Last evaluated: 2021-12-29. Review status: criteria provided, single submitter. Criteria: ACMG Guidelines, 2015. Collection method: clinical testing. Allele origin: unknown.

Centre of Medical Genetics, University Hospital Muenster
Classification: Uncertain significance. Last evaluated: 2021-12-21. Review status: criteria provided, single submitter. Criteria: ACMG Guidelines, 2015. Collection method: clinical testing. Allele origin: unknown. Affected: yes. Observed: 1 variant allele, 1 heterozygote.
Comment: ACMG categories: PM2,PM5,BP4

NM_001114753.3(ENG):c.116G>A (p.Arg39Lys)

Gene: ENG (endoglin; minus strand). Cytogenetic location: 9q34.11.
Variant type: single nucleotide variant.
Coding change: c.116G>A on transcript NM_001114753.3 (MANE Select); coding-DNA position 116, G replaced by A.
Protein change: p.Arg39Lys; replaces arginine 39 with lysine.
Molecular consequence: missense variant. On other transcripts: 5 prime UTR variant (1).
Genome position (GRCh38, 1-based): chr9:127,843,197, C>T on the plus strand (G>A on the coding strand, the complement: ENG is on the minus strand). VCF-style: chr9-127843197-C-T. GRCh37 (hg19) VCF-style: chr9-130605476-C-T.
Other names: c.116G>A, p.Arg39Lys (NM_000118.4, NM_001406715.1); c.-431G>A (NM_001278138.2); short protein forms R39K.
Identifiers: ClinVar variation 844639 (VCV000844639.14), dbSNP rs892005175, ClinGen allele CA200320732.